The following is an entry in ClinVar:

ClinVar aggregate classification (germline): Benign/Likely benign. Review status: criteria provided, multiple submitters, no conflicts (2 of 4 stars). 13 submissions from 13 submitters: Benign (9); Likely benign (1). 3 of the submissions do not count toward it. Last evaluated 2026-02-04.

Conditions:
Primary ciliary dyskinesia. Also called: Ciliary dyskinesia. Identifiers: Orphanet 244, MedGen C0008780, MONDO:0016575, HP:0012265.
Primary ciliary dyskinesia 3. Identifiers: Orphanet 244, MedGen C1837618, MONDO:0012085, OMIM 608644.

Allele frequency attached by ClinVar (database versions not stated): ESP Exome Variant Server 0.33200; gnomAD 0.34505 and 0.35253; TOPMed 0.34965; 1000 Genomes Project 30x 0.37867; 1000 Genomes Project 0.38838; gnomAD exomes 0.39860 and 0.39998; ExAC 0.41861.
gnomAD v4.1: 634,378 of 1,603,616 alleles (40%); highest among the groups gnomAD compares: East Asian, 76%; 131,552 homozygotes.

Submissions (13):

Labcorp Genetics (formerly Invitae), Labcorp
Classification: Benign for Primary ciliary dyskinesia. Last evaluated: 2026-02-04. Review status: criteria provided, single submitter. Criteria: Invitae Variant Classification Sherloc (09022015). Collection method: clinical testing. Allele origin: germline.

Blueprint Genetics
Classification: Likely benign. Last evaluated: 2024-11-26. Review status: criteria provided, single submitter. Criteria: ACMG Guidelines, 2015. Collection method: clinical testing. Allele origin: germline.

Mayo Clinic Laboratories, Mayo Clinic
Classification: Benign. Last evaluated: 2022-04-26. Review status: criteria provided, single submitter. Criteria: ACMG Guidelines, 2015. Collection method: clinical testing. Allele origin: germline. Observed: 129 variant alleles.

Pars Genome Lab
Classification: Benign for Primary ciliary dyskinesia 3. Last evaluated: 2021-06-15. Review status: criteria provided, single submitter. Criteria: ACMG Guidelines, 2015. Collection method: clinical testing. Allele origin: germline. Affected: no.

GeneDx
Classification: Benign. Last evaluated: 2018-11-28. Review status: criteria provided, single submitter. Criteria: GeneDx Variant Classification Process June 2021. Collection method: clinical testing. Allele origin: germline. Affected: yes.

Illumina Laboratory Services, Illumina
Classification: Benign for Primary ciliary dyskinesia 3. Last evaluated: 2018-01-13. Review status: criteria provided, single submitter. Criteria: ICSL Variant Classification Criteria 13 December 2019. Collection method: clinical testing. Allele origin: germline.
Comment: This variant was observed in the ICSL laboratory as part of a predisposition screen in an ostensibly healthy population. It had not been previously curated by ICSL or reported in the Human Gene Mutation Database (HGMD: prior to June 1st, 2018), and was therefore a candidate for classification through an automated scoring system. Utilizing variant allele frequency, disease prevalence and penetrance estimates, and inheritance mode, an automated score was calculated to assess if this variant is too frequent to cause the disease. Based on the score and internal cut-off values, a variant classified as benign is not then subjected to further curation. The score for this variant resulted in a classification of benign for this disease.

Ambry Genetics
Classification: Benign for Primary ciliary dyskinesia. Last evaluated: 2014-11-26. Review status: criteria provided, single submitter. Criteria: Ambry Variant Classification Scheme 2023. Collection method: clinical testing. Allele origin: germline.

Laboratory for Molecular Medicine, Mass General Brigham Personalized Medicine
Classification: Benign. Last evaluated: 2013-02-21. Review status: criteria provided, single submitter. Criteria: LMM Criteria. Collection method: clinical testing. Allele origin: germline. Observed: 59 variant alleles.
Comment: Thr558Ala in exon 13 of DNAH5: This variant is not expected to have clinical sig nificance because it has been identified in 40.6% (3481/8584) of European Americ an chromosomes from a broad population by the NHLBI Exome Sequencing Project (dbSNP rs1530498).

Breakthrough Genomics
Classification: Benign. Review status: criteria provided, single submitter. Criteria: ACMG Guidelines, 2015. Collection method: not provided. Allele origin: germline. Inheritance: Autosomal recessive inheritance. Affected: yes.

PreventionGenetics, part of Exact Sciences
Classification: Benign. Review status: criteria provided, single submitter. Criteria: ACMG Guidelines, 2015. Collection method: clinical testing. Allele origin: germline.

Natera, Inc.
Classification: Benign for Primary ciliary dyskinesia. Last evaluated: 2020-09-16. Review status: no assertion criteria provided. Collection method: clinical testing. Allele origin: germline. Not counted in ClinVar's aggregate classification.

Clinical Genetics DNA and cytogenetics Diagnostics Lab, Erasmus MC, Erasmus Medical Center
Classification: Benign. Review status: no assertion criteria provided. Collection method: clinical testing. Allele origin: germline. Affected: yes. Study: VKGL Data-share Consensus. Not counted in ClinVar's aggregate classification.

Diagnostic Laboratory, Department of Genetics, University Medical Center Groningen
Classification: Benign. Review status: no assertion criteria provided. Collection method: clinical testing. Allele origin: germline. Affected: yes. Study: VKGL Data-share Consensus. Not counted in ClinVar's aggregate classification.

NM_001369.3(DNAH5):c.1672A>G (p.Thr558Ala)

Gene: DNAH5 (dynein axonemal heavy chain 5; minus strand). Cytogenetic location: 5p15.2.
Variant type: single nucleotide variant.
Coding change: c.1672A>G on transcript NM_001369.3 (MANE Select); coding-DNA position 1672, A replaced by G.
Protein change: p.Thr558Ala; replaces threonine 558 with alanine.
Molecular consequence: missense variant.
Genome position (GRCh38, 1-based): chr5:13,902,111, T>C on the plus strand (A>G on the coding strand, the complement: DNAH5 is on the minus strand). VCF-style: chr5-13902111-T-C. GRCh37 (hg19) VCF-style: chr5-13902220-T-C.
Other names: short protein forms T558A.
Identifiers: ClinVar variation 163157 (VCV000163157.42), dbSNP rs1530498, ClinGen allele CA175807.